The following is an entry in ClinVar:

ClinVar aggregate classification (germline): Uncertain significance (1 of 4 stars; one submission).

gnomAD v4.1: 25 of 1,581,542 alleles (0.0016%); highest among the groups gnomAD compares: Non-Finnish European, 0.0021%; no homozygotes.

Submission:

Labcorp Genetics (formerly Invitae), Labcorp
Classification: Uncertain significance. Last evaluated: 2025-12-15. Review status: criteria provided, single submitter. Criteria: Invitae Variant Classification Sherloc (09022015). Collection method: clinical testing. Allele origin: germline.
Comment: This sequence change replaces serine, which is neutral and polar, with arginine, which is basic and polar, at codon 926 of the ADAMTS10 protein (p.Ser926Arg). This variant is present in population databases (rs782516100, gnomAD 0.004%). This variant has not been reported in the literature in individuals affected with ADAMTS10-related conditions. An algorithm developed to predict the effect of missense changes on protein structure and function (PolyPhen-2) suggests that this variant is likely to be disruptive. In summary, the available evidence is currently insufficient to determine the role of this variant in disease. Therefore, it has been classified as a Variant of Uncertain Significance.

NM_030957.4(ADAMTS10):c.2778C>A (p.Ser926Arg)

Gene: ADAMTS10 (ADAM metallopeptidase with thrombospondin type 1 motif 10; minus strand). Cytogenetic location: 19p13.2.
Variant type: single nucleotide variant.
Coding change: c.2778C>A on transcript NM_030957.4 (MANE Select); coding-DNA position 2778, C replaced by A.
Protein change: p.Ser926Arg; replaces serine 926 with arginine.
Molecular consequence: missense variant.
Genome position (GRCh38, 1-based): chr19:8,585,543, G>T on the plus strand (C>A on the coding strand, the complement: ADAMTS10 is on the minus strand). VCF-style: chr19-8585543-G-T. GRCh37 (hg19) VCF-style: chr19-8650427-G-T.
Other names: c.1239C>A, p.Ser413Arg (NM_001282352.2); short protein forms S926R, S413R.
Identifiers: ClinVar variation 4700934 (VCV004700934.1).